The following is an entry in ClinVar:

NM_000159.4(GCDH):c.860T>C (p.Phe287Ser)

Gene: GCDH (glutaryl-CoA dehydrogenase; plus strand). Cytogenetic location: 19p13.13.
Variant type: single nucleotide variant.
Coding change: c.860T>C on transcript NM_000159.4 (MANE Select); coding-DNA position 860, T replaced by C.
Protein change: p.Phe287Ser; replaces phenylalanine 287 with serine.
Molecular consequence: missense variant. On other transcripts: non-coding transcript variant (2).
Genome position (GRCh38, 1-based): chr19:12,896,917, T>C. VCF-style: chr19-12896917-T-C. GRCh37 (hg19) VCF-style: chr19-13007731-T-C.
Other names: c.860T>C, p.Phe287Ser (NM_013976.5); short protein forms F287S.
Identifiers: ClinVar variation 2006694 (VCV002006694.4), dbSNP rs2512574820, ClinGen allele CA404319287.
Genomic context (GRCh38, chr19:12,896,917, plus strand): 5'-AGGCCCTCTTGGTGTCTCTTGGGTGGGCCTGAGGCGCCATCTCAACCCTACAGGGTCCCT[T>C]CGGCTGCCTGAACAACGCCCGGTACGGCATCGCGTGGGGCGTGCTTGGAGCTTCGGAGTT-3'
Protein context (NP_000150.1, residues 277-297): LPGASSLGGP[Phe287Ser]GCLNNARYGI

ClinVar aggregate classification (germline): Uncertain significance (1 of 4 stars; one submission).

Conditions:
Glutaric aciduria, type 1. Also called: Glutaric Acidemia Type 1; Glutaricaciduria, type I; GA I; Glutaric acidemia type I; Glutaricacidemia Type 1; Glutaryl-CoA dehydrogenase deficiency. Identifiers: Orphanet 25, MedGen C0268595, MONDO:0009281, OMIM 231670.

Submission:

Labcorp Genetics (formerly Invitae), Labcorp
Classification: Uncertain significance for Glutaric aciduria, type 1. Last evaluated: 2022-06-14. Review status: criteria provided, single submitter. Criteria: Invitae Variant Classification Sherloc (09022015). Collection method: clinical testing. Allele origin: germline.
Comment: In summary, the available evidence is currently insufficient to determine the role of this variant in disease. Therefore, it has been classified as a Variant of Uncertain Significance. Advanced modeling of protein sequence and biophysical properties (such as structural, functional, and spatial information, amino acid conservation, physicochemical variation, residue mobility, and thermodynamic stability) performed at Invitae indicates that this missense variant is expected to disrupt GCDH protein function. This variant has not been reported in the literature in individuals affected with GCDH-related conditions. This variant is not present in population databases (gnomAD no frequency). This sequence change replaces phenylalanine, which is neutral and non-polar, with serine, which is neutral and polar, at codon 287 of the GCDH protein (p.Phe287Ser).